The following is an entry in ClinVar:

ClinVar aggregate classification (germline): Uncertain significance (1 of 4 stars; one submission).

Allele frequency attached by ClinVar (database versions not stated): gnomAD 0.00001; TOPMed 0.00001; ExAC 0.00007.
gnomAD v4.1: 18 of 1,515,004 alleles (0.0012%); highest among the groups gnomAD compares: Non-Finnish European, 0.0016%; no homozygotes.

Submission:

Labcorp Genetics (formerly Invitae), Labcorp
Classification: Uncertain significance. Last evaluated: 2022-04-08. Review status: criteria provided, single submitter. Criteria: Invitae Variant Classification Sherloc (09022015). Collection method: clinical testing. Allele origin: germline.
Comment: Algorithms developed to predict the effect of missense changes on protein structure and function are either unavailable or do not agree on the potential impact of this missense change (SIFT: "Deleterious"; PolyPhen-2: "Benign"; Align-GVGD: "Class C0"). In summary, the available evidence is currently insufficient to determine the role of this variant in disease. Therefore, it has been classified as a Variant of Uncertain Significance. This variant has not been reported in the literature in individuals affected with CCDC88A-related conditions. This variant is present in population databases (rs780364426, gnomAD 0.004%). This sequence change replaces isoleucine, which is neutral and non-polar, with leucine, which is neutral and non-polar, at codon 648 of the CCDC88A protein (p.Ile648Leu).

NM_001365480.1(CCDC88A):c.1942A>T (p.Ile648Leu)

Gene: CCDC88A (coiled-coil and HOOK domain protein 88A; minus strand). Cytogenetic location: 2p16.1.
Variant type: single nucleotide variant.
Coding change: c.1942A>T on transcript NM_001365480.1 (MANE Select); coding-DNA position 1942, A replaced by T.
Protein change: p.Ile648Leu; replaces isoleucine 648 with leucine.
Molecular consequence: missense variant.
Genome position (GRCh38, 1-based): chr2:55,334,879, T>A on the plus strand (A>T on the coding strand, the complement: CCDC88A is on the minus strand). VCF-style: chr2-55334879-T-A. GRCh37 (hg19) VCF-style: chr2-55562015-T-A.
Other names: c.1942A>T, p.Ile648Leu (NM_001135597.2, NM_001254943.2, NM_018084.5); short protein forms I648L.
Identifiers: ClinVar variation 1903655 (VCV001903655.5), dbSNP rs780364426, ClinGen allele CA1666049.